The following is an entry in ClinVar:

ClinVar aggregate classification (germline): Conflicting classifications of pathogenicity. Review status: criteria provided, conflicting classifications (1 of 4 stars). 8 submissions from 8 submitters: Likely pathogenic (4); Uncertain significance (4). Last evaluated 2026-08-06.

Conditions:
Hyperphosphatasia with intellectual disability syndrome 5 (GPIBD11). Also called: GLYCOSYLPHOSPHATIDYLINOSITOL BIOSYNTHESIS DEFECT 11. Identifiers: Orphanet 247262, MedGen C4014958, MONDO:0014457, OMIM 616025.

Allele frequency attached by ClinVar (database versions not stated): ExAC 0.00005; gnomAD 0.00005 and 0.00006; gnomAD exomes 0.00005; ESP Exome Variant Server 0.00008; TOPMed 0.00008.
gnomAD v4.1: 122 of 1,613,924 alleles (0.0076%); highest among the groups gnomAD compares: Non-Finnish European, 0.0097%; no homozygotes.

Submissions (8):

OLLIN Analises Genomicas, OLLIN
Classification: Uncertain significance for Hyperphosphatasia with intellectual disability syndrome 5. Last evaluated: 2026-08-06. Review status: criteria provided, single submitter. Criteria: ACMG Guidelines 2015 PMID 25741868. Collection method: clinical testing. Allele origin: germline.
Comment: This nonsense variant, located in exon 2 (of 2), has been reported in ClinVar (accession VCV000445616.8) and in gnomAD with an allele frequency of 0.0076%. However, to our knowledge, it has not been reported in the scientific literature. This variant introduces a premature stop codon, which is predicted to result in either a truncated protein or degradation of the mRNA via nonsense-mediated decay (NMD). According to the currently available evidence, this variant has been classified as uncertain significance (PM2_P).

Clinical Genomics Laboratory, Washington University in St. Louis
Classification: Likely pathogenic for Hyperphosphatasia with intellectual disability syndrome 5. Last evaluated: 2025-07-09. Review status: criteria provided, single submitter. Criteria: ACMG Guidelines, 2015. Collection method: clinical testing. Allele origin: germline. Affected: yes.
Comment: The PIGW c.431T>G (p.Ile144Ser) variant, to our knowledge, has not been reported in the medical literature. This variant is only observed in 1/31,398 alleles in the general population (gnomAD v2.1.1), indicating it is not a common variant. Computational predictors indicate that the variant is damaging, evidence that correlates with impact to PIGW function. This variant has been reported in the ClinVar database as a germline variant of uncertain significance by one submitter. Due to limited information, and based on ACMG/AMP guidelines for variant interpretation (Richards S et al., PMID: 25741868), the clinical significance of this variant is uncertain at this time.The PIGW c.646C>T (p.Arg216*) variant, to our knowledge, has not been reported in the medical literature. This variant is only observed in 12/251,264 alleles in the general population (gnomAD v2.1.1), indicating it is not a common variant. This variant causes a premature termination codon; however, because this occurs in the last exon, this is not predicted to lead to nonsense mediated decay. This variant has been reported in the ClinVar database as a germline likely pathogenic by three submitters and a variant of uncertain significance by two submitters. Based on available information and the ACMG/AMP guidelines for variant interpretation (Richards S et al., PMID: 25741868), this variant is classified as likely pathogenic.

Women's Health and Genetics/Laboratory Corporation of America, LabCorp
Classification: Uncertain significance. Last evaluated: 2024-10-08. Review status: criteria provided, single submitter. Criteria: LabCorp Variant Classification Summary - May 2015. Collection method: clinical testing. Allele origin: germline.
Comment: Variant summary: PIGW c.646C>T (p.Arg216X) results in a premature termination codon, predicted to cause a truncation of the encoded protein or absence of the protein due to nonsense mediated decay, however current evidence is not sufficient to establish loss of function as a mechanism for disease. The variant allele was found at a frequency of 4.8e-05 in 251264 control chromosomes. This frequency is not significantly higher than estimated for a pathogenic variant in PIGW causing Hyperphosphatasia With Mental Retardation Syndrome 5, allowing no conclusion about variant significance. To our knowledge, no occurrence of c.646C>T in individuals affected with Hyperphosphatasia With Mental Retardation Syndrome 5 and no experimental evidence demonstrating its impact on protein function have been reported. ClinVar contains an entry for this variant (Variation ID: 445616). Based on the evidence outlined above, the variant was classified as uncertain significance.

Blueprint Genetics
Classification: Uncertain significance. Last evaluated: 2023-11-17. Review status: criteria provided, single submitter. Criteria: ACMG Guidelines, 2015. Collection method: clinical testing. Allele origin: germline.

Labcorp Genetics (formerly Invitae), Labcorp
Classification: Uncertain significance for Hyperphosphatasia with intellectual disability syndrome 5. Last evaluated: 2022-08-16. Review status: criteria provided, single submitter. Criteria: Invitae Variant Classification Sherloc (09022015). Collection method: clinical testing. Allele origin: germline.
Comment: This sequence change creates a premature translational stop signal (p.Arg216*) in the PIGW gene. While this is not anticipated to result in nonsense mediated decay, it is expected to disrupt the last 289 amino acid(s) of the PIGW protein. This variant is present in population databases (rs147622852, gnomAD 0.009%). This variant has not been reported in the literature in individuals affected with PIGW-related conditions. ClinVar contains an entry for this variant (Variation ID: 445616). In summary, the available evidence is currently insufficient to determine the role of this variant in disease. Therefore, it has been classified as a Variant of Uncertain Significance.

New York Genome Center
Classification: Likely pathogenic for Hyperphosphatasia with intellectual disability syndrome 5. Last evaluated: 2021-05-27. Review status: criteria provided, single submitter. Criteria: NYGC Assertion Criteria 2020. Collection method: clinical testing. Allele origin: germline. Observed: 1 heterozygote. Study: CSER-NYCKidSeq.

Baylor Genetics
Classification: Likely pathogenic for Hyperphosphatasia with intellectual disability syndrome 5. Last evaluated: 2021-03-12. Review status: criteria provided, single submitter. Criteria: ACMG Guidelines, 2015. Collection method: clinical testing. Allele origin: unknown.

Center for Pediatric Genomic Medicine, Children's Mercy Hospital and Clinics
Classification: Likely pathogenic. Last evaluated: 2017-09-05. Review status: criteria provided, single submitter. Criteria: ACMG Guidelines, 2015. Collection method: clinical testing. Allele origin: germline.

NM_001346754.2(PIGW):c.646C>T (p.Arg216Ter)

Genes: MYO19 (myosin XIX; minus strand), PIGW (phosphatidylinositol glycan anchor biosynthesis class W; plus strand). Cytogenetic location: 17q12.
Variant type: single nucleotide variant.
Coding change: c.646C>T on transcript NM_001346754.2 (MANE Select); coding-DNA position 646, C replaced by T.
Protein change: p.Arg216Ter; replaces arginine 216 with a stop codon.
Molecular consequence: nonsense.
Genome position (GRCh38, 1-based): chr17:36,537,747, C>T. VCF-style: chr17-36537747-C-T. GRCh37 (hg19) VCF-style: chr17-34893596-C-T.
Other names: c.646C>T (NM_178517.4); c.646C>T, p.Arg216Ter (NM_001346755.2, NM_178517.5); short protein forms R216*.
Identifiers: ClinVar variation 445616 (VCV000445616.10), dbSNP rs147622852, ClinGen allele CA290116163.